The following is an entry in ClinVar:

NM_006231.4(POLE):c.2756T>C (p.Leu919Pro)

Gene: POLE (DNA polymerase epsilon, catalytic subunit; minus strand). Cytogenetic location: 12q24.33.
Variant type: single nucleotide variant.
Coding change: c.2756T>C on transcript NM_006231.4 (MANE Select); coding-DNA position 2756, T replaced by C.
Protein change: p.Leu919Pro; replaces leucine 919 with proline.
Molecular consequence: missense variant.
Genome position (GRCh38, 1-based): chr12:132,661,635, A>G on the plus strand (T>C on the coding strand, the complement: POLE is on the minus strand). VCF-style: chr12-132661635-A-G. GRCh37 (hg19) VCF-style: chr12-133238221-A-G.
Other names: short protein forms L919P.
Identifiers: ClinVar variation 3781545 (VCV003781545.1).

ClinVar aggregate classification (germline): Uncertain significance (1 of 4 stars; one submission).

Conditions:
Hereditary cancer-predisposing syndrome. Also called: Neoplastic Syndromes, Hereditary; Hereditary Cancer Syndrome; Tumor predisposition; Hereditary neoplastic syndrome. Identifiers: Orphanet 140162, MedGen C0027672, MeSH D009386, MONDO:0015356.

Submission:

Ambry Genetics
Classification: Uncertain significance for Hereditary cancer-predisposing syndrome. Last evaluated: 2024-12-31. Review status: criteria provided, single submitter. Criteria: Ambry Variant Classification Scheme 2023. Collection method: clinical testing. Allele origin: germline.
Comment: The p.L919P variant (also known as c.2756T>C), located in coding exon 24 of the POLE gene, results from a T to C substitution at nucleotide position 2756. The leucine at codon 919 is replaced by proline, an amino acid with similar properties. This amino acid position is conserved. In addition, the in silico prediction for this alteration is inconclusive. Based on the available evidence, the clinical significance of this variant remains unclear.